The following is an entry in ClinVar:

NM_024312.5(GNPTAB):c.2251C>T (p.Gln751Ter)

Gene: GNPTAB (N-acetylglucosamine-1-phosphate transferase subunits alpha and beta; minus strand). Cytogenetic location: 12q23.2.
Variant type: single nucleotide variant.
Coding change: c.2251C>T on transcript NM_024312.5 (MANE Select); coding-DNA position 2251, C replaced by T.
Protein change: p.Gln751Ter; replaces glutamine 751 with a stop codon.
Molecular consequence: nonsense.
Genome position (GRCh38, 1-based): chr12:101,764,666, G>A on the plus strand (C>T on the coding strand, the complement: GNPTAB is on the minus strand). VCF-style: chr12-101764666-G-A. GRCh37 (hg19) VCF-style: chr12-102158444-G-A.
Other names: short protein forms Q751*.
Identifiers: ClinVar variation 983860 (VCV000983860.4), dbSNP rs1566073911, ClinGen allele CA386298659.

ClinVar aggregate classification (germline): Likely pathogenic (1 of 4 stars; one submission).

Conditions:
GNPTAB-mucolipidosis. Also called: UDP-N-acetylglucosamine-1-phosphotransferase subunit alpha/beta deficiency. Identifiers: MedGen CN322573, MONDO:0100122.

Allele frequency attached by ClinVar (database versions not stated): gnomAD exomes below 0.00001.
gnomAD v4.1: 1 of 1,612,636 alleles (0.000062%); highest among the groups gnomAD compares: Non-Finnish European, 0.000085%; no homozygotes.

Submission:

Myriad Genetics, Inc.
Classification: Likely pathogenic for GNPTAB-mucolipidosis. Last evaluated: 2019-03-28. Review status: criteria provided, single submitter. Criteria: Myriad Autosomal Dominant, Autosomal Recessive and X-Linked Classification Criteria (2023). Collection method: clinical testing. Allele origin: unknown.
Comment: NM_024312.4(GNPTAB):c.2251C>T(Q751*) is expected to be pathogenic in the context of GNPTAB-related disorders. This variant is predicted to lead to an abnormal or absent protein product due to the creation of a premature termination codon in GNPTAB, a gene where loss-of-function variants are known to be pathogenic. Please note: this variant was assessed in the context of healthy population screening.